The following is an entry in ClinVar:

ClinVar aggregate classification (germline): Uncertain significance. Review status: criteria provided, multiple submitters, no conflicts (2 of 4 stars). 2 submissions from 2 submitters: Uncertain significance (2). Last evaluated 2023-12-30.

Allele frequency attached by ClinVar (database versions not stated): 1000 Genomes Project 0.00040; TOPMed 0.00040; gnomAD 0.00042; ExAC 0.00046; 1000 Genomes Project 30x 0.00047; ESP Exome Variant Server 0.00060; gnomAD exomes 0.00070.
gnomAD v4.1: 1,087 of 1,600,736 alleles (0.068%); highest among the groups gnomAD compares: Non-Finnish European, 0.084%; 1 homozygote.

Submissions (2):

Ambry Genetics
Classification: Uncertain significance. Last evaluated: 2023-12-30. Review status: criteria provided, single submitter. Criteria: Ambry Variant Classification Scheme 2023. Collection method: clinical testing. Allele origin: germline.

CeGaT Center for Human Genetics Tuebingen
Classification: Uncertain significance. Last evaluated: 2023-03-01. Review status: criteria provided, single submitter. Criteria: CeGaT Center For Human Genetics Tuebingen Variant Classification Criteria Version 2. Collection method: clinical testing. Allele origin: germline. Affected: yes. Observed: 1 variant allele.
Comment: CFAP69: PM2, BP1, BP4

NM_001039706.3(CFAP69):c.2191T>C (p.Phe731Leu)

Gene: CFAP69 (cilia and flagella associated protein 69; plus strand). Cytogenetic location: 7q21.13.
Variant type: single nucleotide variant.
Coding change: c.2191T>C on transcript NM_001039706.3 (MANE Select); coding-DNA position 2191, T replaced by C.
Protein change: p.Phe731Leu; replaces phenylalanine 731 with leucine.
Molecular consequence: missense variant.
Genome position (GRCh38, 1-based): chr7:90,304,746, T>C. VCF-style: chr7-90304746-T-C. GRCh37 (hg19) VCF-style: chr7-89934060-T-C.
Other names: c.2137T>C, p.Phe713Leu (NM_001160138.2); c.2191T>C, p.Phe731Leu (NM_001363438.1); c.2191T>C (NM_001039706.2); short protein forms F713L, F731L.
Identifiers: ClinVar variation 2499048 (VCV002499048.29), dbSNP rs200429969, ClinGen allele CA4333735.
Genomic context (GRCh38, chr7:90,304,746, plus strand): 5'-GATTCTTAGAATCACTTGCTCTGCTAAAGTAATTCTGTCTTTATAAACTTTATTTTAGAT[T>C]TTGAAAATTTACCTGGCCTATCTGCTGAAGATTTTGTCACCCTTTGTATCATACATAGAT-3'
Protein context (NP_001034795.2, residues 721-741): KIYAILGKLD[Phe731Leu]ENLPGLSAED